The following is an entry in ClinVar:

ClinVar aggregate classification (germline): Uncertain significance (0 of 4 stars; one submission).

Conditions:
CUX1-related disorder. Also called: CUX1-related condition.

gnomAD v4.1: 3 of 1,433,836 alleles (0.00021%); highest among the groups gnomAD compares: Non-Finnish European, 0.00019%; no homozygotes.

Submission:

PreventionGenetics, part of Exact Sciences
Classification: Uncertain significance for CUX1-related condition. Last evaluated: 2024-09-26. Review status: no assertion criteria provided. Collection method: clinical testing. Allele origin: germline.
Comment: The CUX1 c.16G>A variant is predicted to result in the amino acid substitution p.Gly6Arg. To our knowledge, this variant has not been reported in the literature or in a large population database, indicating this variant is rare. At this time, the clinical significance of this variant is uncertain due to the absence of conclusive functional and genetic evidence.

NM_001913.5(CUX1):c.16G>A (p.Gly6Arg)

Gene: CUX1 (cut like homeobox 1; plus strand). Cytogenetic location: 7q22.1.
Variant type: single nucleotide variant.
Coding change: c.16G>A on transcript NM_001913.5 (MANE Plus Clinical); coding-DNA position 16, G replaced by A.
Protein change: p.Gly6Arg; replaces glycine 6 with arginine.
Molecular consequence: missense variant.
Genome position (GRCh38, 1-based): chr7:101,816,046, G>A. VCF-style: chr7-101816046-G-A. GRCh37 (hg19) VCF-style: chr7-101459326-G-A.
Other names: c.16G>A, p.Gly6Arg (NM_001202543.2, NM_001202544.3, NM_001202545.3 and 2 more transcripts); short protein forms G6R.
Identifiers: ClinVar variation 3344186 (VCV003344186.1).